The following is an entry in ClinVar:

ClinVar aggregate classification (germline): Likely pathogenic (1 of 4 stars; one submission).

Conditions:
LZTR1-related schwannomatosis. Also called: Schwannomatosis 2; Schwannomatosis-2, susceptibility to. Identifiers: Orphanet 93921, MedGen C3810283, MONDO:0014299, OMIM 615670.

Submission:

Institute of Human Genetics, University of Leipzig Medical Center
Classification: Likely pathogenic for LZTR1-related schwannomatosis. Last evaluated: 2026-06-23. Review status: criteria provided, single submitter. Criteria: ACMG Guidelines, 2015. Collection method: clinical testing. Allele origin: maternal. Inheritance: Autosomal dominant inheritance. Affected: yes.
Comment: Criteria applied: PVS1,PM2_SUP

NM_006767.4(LZTR1):c.1870_1871del (p.Leu624fs)

Gene: LZTR1 (leucine zipper like post translational regulator 1; plus strand). Cytogenetic location: 22q11.21.
Variant type: Deletion.
Coding change: c.1870_1871del on transcript NM_006767.4 (MANE Select); coding-DNA positions 1870 to 1871, 2 bases deleted (CT; older notation c.1870_1871delCT).
Protein change: p.Leu624fs; shifts the reading frame from leucine 624.
Molecular consequence: frameshift variant.
Genome position (GRCh38, 1-based): chr22:20,994,954-20,994,955, CT deleted. VCF-style (leftmost placement, unchanged base first): chr22-20994953-ACT-A. GRCh37 (hg19) VCF-style: chr22-21349242-ACT-A.
Other names: short protein forms L624fs.
Identifiers: ClinVar variation 4879435 (VCV004879435.1).
Genomic context (GRCh38, chr22:20,994,953, plus strand): 5'-AAAGGAGTCCCACTTCAACCAGGTGATCATGATGAAGGAGTTCGAGCGCCTCTCCTCTCC[ACT>A]GATAGTGGAGATTGTGCGGCGGAAGCAGCAGCCGCCCCCTCGCACTCCCTTGGACCAGCC-3'